The following is an entry in ClinVar:

ClinVar aggregate classification (germline): Uncertain significance (1 of 4 stars; one submission).

Submission:

Labcorp Genetics (formerly Invitae), Labcorp
Classification: Uncertain significance. Last evaluated: 2025-10-20. Review status: criteria provided, single submitter. Criteria: Invitae Variant Classification Sherloc (09022015). Collection method: clinical testing. Allele origin: germline.
Comment: This sequence change affects codon 1143 of the MYH9 mRNA. It is a 'silent' change, meaning that it does not change the encoded amino acid sequence of the MYH9 protein. Information on the frequency of this variant in the gnomAD database is not available, as this variant may be reported differently in the database. This variant has not been reported in the literature in individuals affected with MYH9-related conditions. In summary, the available evidence is currently insufficient to determine the role of this variant in disease. Therefore, it has been classified as a Variant of Uncertain Significance.

NM_002473.6(MYH9):c.3429_3430delinsGT (p.Ala1143_Leu1144=)

Gene: MYH9 (myosin heavy chain 9; minus strand). Cytogenetic location: 22q12.3.
Variant type: Indel.
Coding change: c.3429_3430delinsGT on transcript NM_002473.6 (MANE Select); coding-DNA positions 3429 to 3430, TC replaced by GT.
Protein change: p.Ala1143_Leu1144=.
Molecular consequence: synonymous variant.
Genome position (GRCh38, 1-based): chr22:36,295,560-36,295,561, GA replaced by AC on the plus strand (TC replaced by GT on the coding strand, the reverse complement: MYH9 is on the minus strand). VCF-style: chr22-36295560-GA-AC. GRCh37 (hg19) VCF-style: chr22-36691606-GA-AC.
Identifiers: ClinVar variation 4770597 (VCV004770597.1).